The following is an entry in ClinVar:

NM_001243279.3(ACSF3):c.397C>T (p.Gln133Ter)

Gene: ACSF3 (acyl-CoA synthetase family member 3; plus strand). Cytogenetic location: 16q24.3.
Variant type: single nucleotide variant.
Coding change: c.397C>T on transcript NM_001243279.3 (MANE Select); coding-DNA position 397, C replaced by T.
Protein change: p.Gln133Ter; replaces glutamine 133 with a stop codon.
Molecular consequence: nonsense. On other transcripts: non-coding transcript variant (3), intron variant (1).
Genome position (GRCh38, 1-based): chr16:89,101,078, C>T. VCF-style: chr16-89101078-C-T. GRCh37 (hg19) VCF-style: chr16-89167486-C-T.
Other names: c.397C>T, p.Gln133Ter (NM_001127214.4, NM_174917.5); c.-129-1526C>T (NM_001284316.2); c.397C>T (NM_174917.4); short protein forms Q133*.
Identifiers: ClinVar variation 4816974 (VCV004816974.1), dbSNP rs1361800128.
Genomic context (GRCh38, chr16:89,101,078, plus strand): 5'-TGGGCGTCATGGATGAGTGGCGGTGTGGCAGTCCCCCTCTACAGGAAGCATCCCGCGGCC[C>T]AGCTGGAGTATGTCATCTGCGACTCCCAGAGCTCTGTGGTCCTTGCCAGCCAGGAGTACC-3'

ClinVar aggregate classification (germline): Likely pathogenic (1 of 4 stars; one submission).

Conditions:
Combined malonic and methylmalonic acidemia. Identifiers: Orphanet 289504, MedGen C3280314, MONDO:0013661, OMIM 614265.

gnomAD v4.1: 4 of 1,614,098 alleles (0.00025%); highest among the groups gnomAD compares: Middle Eastern, 0.017%; no homozygotes.

Submission:

Natera, Inc.
Classification: Likely pathogenic for Combined malonic and methylmalonic aciduria. Last evaluated: 2024-05-06. Review status: criteria provided, single submitter. Criteria: Natera Variant Classification Schema (03/2026). Collection method: clinical testing. Allele origin: germline.
Comment: The c.397C>T variant in ACSF3 is a nonsense variant predicted to introduce a stop codon at amino acid 133. This variant is expected to result in nonsense mediated decay, truncation, or a dysfunctional protein product. This variant is rare in the general population with a frequency below the threshold expected for the associated phenotype(s). Given the available evidence, this variant is classified as Likely Pathogenic.